The following is an entry in ClinVar:

NM_006739.4(MCM5):c.1723T>C (p.Ser575Pro)

Gene: MCM5 (minichromosome maintenance complex component 5; plus strand). Cytogenetic location: 22q12.3.
Variant type: single nucleotide variant.
Coding change: c.1723T>C on transcript NM_006739.4 (MANE Select); coding-DNA position 1723, T replaced by C.
Protein change: p.Ser575Pro; replaces serine 575 with proline.
Molecular consequence: missense variant.
Genome position (GRCh38, 1-based): chr22:35,419,903, T>C. VCF-style: chr22-35419903-T-C. GRCh37 (hg19) VCF-style: chr22-35815896-T-C.
Other names: short protein forms S575P.
Identifiers: ClinVar variation 2990853 (VCV002990853.3), dbSNP rs773967568, ClinGen allele CA10205492.

ClinVar aggregate classification (germline): Uncertain significance (1 of 4 stars; one submission).

Allele frequency attached by ClinVar (database versions not stated): gnomAD 0.00001; gnomAD exomes 0.00002; ExAC 0.00003.
gnomAD v4.1: 36 of 1,612,454 alleles (0.0022%); highest among the groups gnomAD compares: South Asian, 0.039%; no homozygotes.

Submission:

Labcorp Genetics (formerly Invitae), Labcorp
Classification: Uncertain significance. Last evaluated: 2023-11-27. Review status: criteria provided, single submitter. Criteria: Invitae Variant Classification Sherloc (09022015). Collection method: clinical testing. Allele origin: germline.
Comment: This sequence change replaces serine, which is neutral and polar, with proline, which is neutral and non-polar, at codon 575 of the MCM5 protein (p.Ser575Pro). This variant is present in population databases (rs773967568, gnomAD 0.04%). This variant has not been reported in the literature in individuals affected with MCM5-related conditions. Advanced modeling of protein sequence and biophysical properties (such as structural, functional, and spatial information, amino acid conservation, physicochemical variation, residue mobility, and thermodynamic stability) performed at Invitae indicates that this missense variant is not expected to disrupt MCM5 protein function with a negative predictive value of 80%. In summary, the available evidence is currently insufficient to determine the role of this variant in disease. Therefore, it has been classified as a Variant of Uncertain Significance.